The following is an entry in ClinVar:

ClinVar aggregate classification (germline): Uncertain significance (1 of 4 stars; one submission).

Submission:

GeneDx
Classification: Uncertain significance. Last evaluated: 2023-07-27. Review status: criteria provided, single submitter. Criteria: GeneDx Variant Classification Process June 2021. Collection method: clinical testing. Allele origin: germline. Affected: yes.
Comment: Not observed at significant frequency in large population cohorts (gnomAD); In silico analysis supports that this missense variant has a deleterious effect on protein structure/function; Has not been previously published as pathogenic or benign to our knowledge; Occurs in the triple helical domain at the Y position in the canonical Gly-X-Y repeat; although this variant may have an effect on normal protein folding and function, missense substitution at the Y position is not a common mechanism of disease (HGMD)

NM_000090.4(COL3A1):c.3173C>A (p.Ala1058Asp)

Gene: COL3A1 (collagen type III alpha 1 chain; plus strand). Cytogenetic location: 2q32.2.
Variant type: single nucleotide variant.
Coding change: c.3173C>A on transcript NM_000090.4 (MANE Select); coding-DNA position 3173, C replaced by A.
Protein change: p.Ala1058Asp; replaces alanine 1058 with aspartic acid.
Molecular consequence: missense variant.
Genome position (GRCh38, 1-based): chr2:189,006,424, C>A. VCF-style: chr2-189006424-C-A. GRCh37 (hg19) VCF-style: chr2-189871150-C-A.
Other names: short protein forms A1058D.
Identifiers: ClinVar variation 3361807 (VCV003361807.1).
Genomic context (GRCh38, chr2:189,006,424, plus strand): 5'-GCTCTCCTGGTGCCCCTGGCGCTCCTGGTCATCCAGGCCCACCTGGTCCTGTCGGTCCAG[C>A]TGGAAAGAGTGGTGACAGAGGAGAAAGTGTGAGTTCCCAAAAGCAGCATCTGTCTTGTTT-3'
Protein context (NP_000081.2, residues 1048-1068): HPGPPGPVGP[Ala1058Asp]GKSGDRGESG